The following is an entry in ClinVar:

NM_078480.3(PUF60):c.803G>T (p.Gly268Val)

Gene: PUF60 (poly(U) binding splicing factor 60; minus strand). Cytogenetic location: 8q24.3.
Variant type: single nucleotide variant.
Coding change: c.803G>T on transcript NM_078480.3 (MANE Select); coding-DNA position 803, G replaced by T.
Protein change: p.Gly268Val; replaces glycine 268 with valine.
Molecular consequence: missense variant.
Genome position (GRCh38, 1-based): chr8:143,817,876, C>A on the plus strand (G>T on the coding strand, the complement: PUF60 is on the minus strand). VCF-style: chr8-143817876-C-A. GRCh37 (hg19) VCF-style: chr8-144900046-C-A.
Other names: c.674G>T, p.Gly225Val (NM_001136033.3); c.749G>T, p.Gly250Val (NM_001271096.2); c.665G>T, p.Gly222Val (NM_001271097.2); c.800G>T, p.Gly267Val (NM_001271098.2); c.716G>T, p.Gly239Val (NM_001271099.2); c.623G>T, p.Gly208Val (NM_001271100.2); c.914G>T, p.Gly305Val (NM_001362895.2, NM_001362896.2); c.863G>T, p.Gly288Val (NM_001362897.2); and 1 more; short protein forms G208V, G222V, G225V, G239V, G250V, G251V, G267V, G268V.
Identifiers: ClinVar variation 1313893 (VCV001313893.2), dbSNP rs2130244884, ClinGen allele CA372490021.
Genomic context (GRCh38, chr8:143,817,876, plus strand): 5'-CCCAGCCTCAGGTGGCCCCCATCCCGCCTCAGCCACCCCAGCTCACCAATGAAGCCGTAG[C>A]CCTTGTGCTTGCCAGTTGTGGGGTCCCGGGCCAGTGTGCAGGACTTGATCTTGCCAAAGG-3'
Protein context (NP_510965.1, residues 258-278): ARDPTTGKHK[Gly268Val]YGFIEYEKAQ

ClinVar aggregate classification (germline): Uncertain significance (1 of 4 stars; one submission).

Submission:

GeneDx
Classification: Uncertain significance. Last evaluated: 2021-01-07. Review status: criteria provided, single submitter. Criteria: GeneDx Variant Classification Process June 2021. Collection method: clinical testing. Allele origin: germline. Affected: yes.
Comment: Not observed in large population cohorts (Lek et al., 2016); In silico analysis supports that this missense variant has a deleterious effect on protein structure/function; Has not been previously published as pathogenic or benign to our knowledge